The following is an entry in ClinVar:

NM_139276.3(STAT3):c.735_744del (p.Arg246fs)

Genes: STAT3 (signal transducer and activator of transcription 3; minus strand), LOC130060888 (ATAC-STARR-seq lymphoblastoid active region 12197; plus strand). Cytogenetic location: 17q21.2.
Variant type: Deletion.
Coding change: c.735_744del on transcript NM_139276.3 (MANE Select); coding-DNA positions 735 to 744, 10 bases deleted (GCGGCAACAG; older notation c.735_744delGCGGCAACAG).
Protein change: p.Arg246fs; shifts the reading frame from arginine 246.
Molecular consequence: frameshift variant.
Genome position (GRCh38, 1-based): chr17:42,337,488-42,337,497, CTGTTGCCGC deleted on the plus strand (GCGGCAACAG on the coding strand, the reverse complement: STAT3 is on the minus strand); deleting any 10 consecutive bases within chr17:42,337,488-42,337,499 gives the same sequence; the c. name uses the placement nearest the transcript's 3' end. VCF-style (leftmost placement, unchanged base first): chr17-42337487-TCTGTTGCCGC-T. GRCh37 (hg19) VCF-style: chr17-40489505-TCTGTTGCCGC-T.
Other names: c.735_744del, p.Arg246fs (NM_001369512.1, NM_001369513.1, NM_001369514.1 and 15 more transcripts); c.657_666del, p.Arg220fs (NM_001384985.1); c.639_648del, p.Arg214fs (NM_001384989.1); c.735_744del10 (NM_139276.2); short protein forms R214fs, R220fs, R246fs.
Identifiers: ClinVar variation 2577191 (VCV002577191.1), dbSNP rs2509431596, ClinGen allele CA2580613136.

ClinVar aggregate classification (germline): Uncertain significance (1 of 4 stars; one submission).

Submission:

Women's Health and Genetics/Laboratory Corporation of America, LabCorp
Classification: Uncertain significance. Last evaluated: 2023-07-06. Review status: criteria provided, single submitter. Criteria: LabCorp Variant Classification Summary - May 2015. Collection method: clinical testing. Allele origin: germline.
Comment: Variant summary: STAT3 c.735_744del10 (p.Arg246LeufsX12) results in a premature termination codon, predicted to cause a truncation of the encoded protein or absence of the protein due to nonsense mediated decay. However a recent functional study examining in-frame, frameshift, and truncation variants in patients with Hyper IgE Syndrome indicates, that for these variants, the molecular mechanism of disease for STAT3 is not due to haploinsufficiency, but instead is the result of a dominant negative effect which depends upon at least a portion of mRNA transcripts escaping nonsense mediated decay (Asano_2021, PMID: 34137790). Not all variants tested in this study were found to exert a dominant negative effect and therefore at this time it is unclear whether c.735_744del10 would also participate in this mechanism. The variant was absent in 251436 control chromosomes (gnomAD). The available data on variant occurrences in the general population are insufficient to allow any conclusion about variant significance. To our knowledge, no occurrence of c.735_744del10 in individuals affected with Hyper IgE Syndrome and no experimental evidence demonstrating its impact on protein function have been reported. No submitters have cited clinical-significance assessments for this variant to ClinVar after 2014. Based on the evidence outlined above, the variant was classified as uncertain significance until further functional and/or clinical evidence becomes available.

Literature cited by the submitters: PubMed 34137790.